The following is an entry in ClinVar:

ClinVar aggregate classification (germline): Uncertain significance. Review status: criteria provided, multiple submitters, no conflicts (2 of 4 stars). 4 submissions from 4 submitters: Uncertain significance (4). Last evaluated 2025-07-20.

Conditions:
Multiple congenital anomalies-hypotonia-seizures syndrome 1 (MCAHS1). Also called: GLYCOSYLPHOSPHATIDYLINOSITOL BIOSYNTHESIS DEFECT 3; PIGN-CDG; Congenital disorder of glycosylation due to PIGN deficiency. Identifiers: Orphanet 280633, MedGen C3279775, MONDO:0013563, OMIM 614080.
Inborn genetic diseases. Identifiers: MedGen C0950123, MeSH D030342.

Allele frequency attached by ClinVar (database versions not stated): gnomAD exomes 0.00008 and 0.00011; gnomAD 0.00010 and 0.00011; ExAC 0.00011; TOPMed 0.00014; ESP Exome Variant Server 0.00017.
gnomAD v4.1: 171 of 1,607,590 alleles (0.011%); highest among the groups gnomAD compares: Non-Finnish European, 0.013%; no homozygotes.

Submissions (4):

GeneDx
Classification: Uncertain significance. Last evaluated: 2025-07-20. Review status: criteria provided, single submitter. Criteria: GeneDx Variant Classification Process June 2021. Collection method: clinical testing. Allele origin: germline. Affected: yes.
Comment: Not observed at significant frequency in large population cohorts (gnomAD); In silico analysis suggests that this missense variant does not alter protein structure/function; Has not been previously published as pathogenic or benign to our knowledge

Ambry Genetics
Classification: Uncertain significance for Inborn genetic diseases. Last evaluated: 2024-08-01. Review status: criteria provided, single submitter. Criteria: Ambry Variant Classification Scheme 2023. Collection method: clinical testing. Allele origin: germline.

Labcorp Genetics (formerly Invitae), Labcorp
Classification: Uncertain significance for Multiple congenital anomalies-hypotonia-seizures syndrome 1. Last evaluated: 2022-10-05. Review status: criteria provided, single submitter. Criteria: Invitae Variant Classification Sherloc (09022015). Collection method: clinical testing. Allele origin: germline.
Comment: This sequence change replaces arginine, which is basic and polar, with isoleucine, which is neutral and non-polar, at codon 295 of the PIGN protein (p.Arg295Ile). This variant is present in population databases (rs377036162, gnomAD 0.01%). This variant has not been reported in the literature in individuals affected with PIGN-related conditions. ClinVar contains an entry for this variant (Variation ID: 472237). Advanced modeling of protein sequence and biophysical properties (such as structural, functional, and spatial information, amino acid conservation, physicochemical variation, residue mobility, and thermodynamic stability) performed at Invitae indicates that this missense variant is not expected to disrupt PIGN protein function. In summary, the available evidence is currently insufficient to determine the role of this variant in disease. Therefore, it has been classified as a Variant of Uncertain Significance.

Mayo Clinic Laboratories, Mayo Clinic
Classification: Uncertain significance for Multiple congenital anomalies-hypotonia-seizures syndrome 1. Last evaluated: 2018-03-19. Review status: criteria provided, single submitter. Criteria: ACMG Guidelines, 2015. Collection method: clinical testing. Allele origin: maternal.

NM_176787.5(PIGN):c.884G>T (p.Arg295Ile)

Gene: PIGN (phosphatidylinositol glycan anchor biosynthesis class N; minus strand). Cytogenetic location: 18q21.33.
Variant type: single nucleotide variant.
Coding change: c.884G>T on transcript NM_176787.5 (MANE Select); coding-DNA position 884, G replaced by T.
Protein change: p.Arg295Ile; replaces arginine 295 with isoleucine.
Molecular consequence: missense variant.
Genome position (GRCh38, 1-based): chr18:62,145,947, C>A on the plus strand (G>T on the coding strand, the complement: PIGN is on the minus strand). VCF-style: chr18-62145947-C-A. GRCh37 (hg19) VCF-style: chr18-59813180-C-A.
Other names: c.884G>T, p.Arg295Ile (NM_012327.6); short protein forms R295I.
Identifiers: ClinVar variation 472237 (VCV000472237.11), dbSNP rs377036162, ClinGen allele CA8982471.